The following is an entry in ClinVar:

NM_001987.5(ETV6):c.1228G>A (p.Glu410Lys)

Gene: ETV6 (ETS variant transcription factor 6; plus strand). Cytogenetic location: 12p13.2.
Variant type: single nucleotide variant.
Coding change: c.1228G>A on transcript NM_001987.5 (MANE Select); coding-DNA position 1228, G replaced by A.
Protein change: p.Glu410Lys; replaces glutamic acid 410 with lysine.
Molecular consequence: missense variant. On other transcripts: intron variant (1).
Genome position (GRCh38, 1-based): chr12:11,886,001, G>A. VCF-style: chr12-11886001-G-A. GRCh37 (hg19) VCF-style: chr12-12038935-G-A.
Other names: c.1225G>A, p.Glu409Lys (NM_001413913.1); c.1201G>A, p.Glu401Lys (NM_001413914.1); c.964G>A, p.Glu322Lys (NM_001413915.1); c.1010-4940G>A (NM_001413917.1); short protein forms E401K, E409K, E322K, E410K.
Identifiers: ClinVar variation 4618850 (VCV004618850.1).
Genomic context (GRCh38, chr12:11,886,001, plus strand): 5'-ACCTATGAGAAAATGTCCAGAGCCCTGCGCCACTACTACAAACTAAACATTATCAGGAAG[G>A]AGCCAGGACAAAGGCTTTTGTTCAGGTAGCACTTCCTTTTTCTCCTTTCCTTCTTTTGGG-3'
Protein context (NP_001978.1, residues 400-420): HYYKLNIIRK[Glu410Lys]PGQRLLFRFM

ClinVar aggregate classification (germline): Uncertain significance (1 of 4 stars; one submission).

Conditions:
Inborn genetic diseases. Identifiers: MedGen C0950123, MeSH D030342.

Submission:

Ambry Genetics
Classification: Uncertain significance for Inborn genetic diseases. Last evaluated: 2025-10-07. Review status: criteria provided, single submitter. Criteria: Ambry Variant Classification Scheme 2023. Collection method: clinical testing. Allele origin: germline.
Comment: The p.E410K variant (also known as c.1228G>A), located in coding exon 7 of the ETV6 gene, results from a G to A substitution at nucleotide position 1228. The glutamic acid at codon 410 is replaced by lysine, an amino acid with similar properties. This amino acid position is conserved. In addition, this alteration is predicted to be deleterious by in silico analysis. Based on the available evidence, the clinical significance of this variant remains unclear.